The following is an entry in ClinVar:

ClinVar aggregate classification (germline): Uncertain significance (1 of 4 stars; one submission).

Conditions:
Hypertrophic cardiomyopathy. Also called: HYPERTROPHIC MYOCARDIOPATHY. Identifiers: Orphanet 217569, MedGen C0007194, MeSH D002312, MONDO:0005045, HP:0001639.

Submission:

Labcorp Genetics (formerly Invitae), Labcorp
Classification: Uncertain significance for Hypertrophic cardiomyopathy. Last evaluated: 2024-11-15. Review status: criteria provided, single submitter. Criteria: Invitae Variant Classification Sherloc (09022015). Collection method: clinical testing. Allele origin: germline.
Comment: This variant, c.410_421del, results in the deletion of 4 amino acid(s) of the MYH7 protein (p.Glu137_Ala140del), but otherwise preserves the integrity of the reading frame. This variant is not present in population databases (gnomAD no frequency). This variant has not been reported in the literature in individuals affected with MYH7-related conditions. Experimental studies and prediction algorithms are not available or were not evaluated, and the functional significance of this variant is currently unknown. In summary, the available evidence is currently insufficient to determine the role of this variant in disease. Therefore, it has been classified as a Variant of Uncertain Significance.

NM_000257.4(MYH7):c.410_421del (p.Glu137_Ala140del)

Gene: MYH7 (myosin heavy chain 7; minus strand). Cytogenetic location: 14q11.2.
Variant type: Deletion.
Coding change: c.410_421del on transcript NM_000257.4 (MANE Select); coding-DNA positions 410 to 421, 12 bases deleted (AGGTGGTGGCTG).
Protein change: p.Glu137_Ala140del.
Genome position (GRCh38, 1-based): chr14:23,432,720-23,432,731, CAGCCACCACCT deleted on the plus strand (AGGTGGTGGCTG on the coding strand, the reverse complement: MYH7 is on the minus strand); deleting any 12 consecutive bases within chr14:23,432,720-23,432,734 gives the same sequence; the c. name uses the placement nearest the transcript's 3' end. VCF-style (leftmost placement, unchanged base first): chr14-23432719-GCAGCCACCACCT-G. GRCh37 (hg19) VCF-style: chr14-23901928-GCAGCCACCACCT-G.
Other names: c.410_421del, p.Glu137_Ala140del (NM_001407004.1).
Identifiers: ClinVar variation 3725305 (VCV003725305.2).